The following is an entry in ClinVar:

ClinVar aggregate classification (germline): Conflicting classifications of pathogenicity. Review status: criteria provided, conflicting classifications (1 of 4 stars). 2 submissions from 2 submitters: Uncertain significance (1); Likely benign (1). Last evaluated 2025-12-20.

Allele frequency attached by ClinVar (database versions not stated): TOPMed 0.00001; gnomAD exomes 0.00002 and 0.00003; ExAC 0.00003; gnomAD 0.00003; ESP Exome Variant Server 0.00018.
gnomAD v4.1: 39 of 1,545,684 alleles (0.0025%); highest among the groups gnomAD compares: Non-Finnish European, 0.0033%; no homozygotes.

Submissions (2):

Labcorp Genetics (formerly Invitae), Labcorp
Classification: Likely benign. Last evaluated: 2025-12-20. Review status: criteria provided, single submitter. Criteria: Invitae Variant Classification Sherloc (09022015). Collection method: clinical testing. Allele origin: germline.

GeneDx
Classification: Uncertain significance. Last evaluated: 2024-05-24. Review status: criteria provided, single submitter. Criteria: GeneDx Variant Classification Process June 2021. Collection method: clinical testing. Allele origin: germline. Affected: yes.
Comment: In silico analysis indicates that this variant does not alter splicing; Has not been previously published as pathogenic or benign to our knowledge

NM_013247.5(HTRA2):c.18G>A (p.Ala6=)

Gene: HTRA2 (HtrA serine peptidase 2; plus strand). Cytogenetic location: 2p13.1.
Variant type: single nucleotide variant.
Coding change: c.18G>A on transcript NM_013247.5 (MANE Select); coding-DNA position 18, G replaced by A.
Protein change: p.Ala6=; no amino-acid change (alanine 6 retained).
Molecular consequence: synonymous variant. On other transcripts: non-coding transcript variant (1).
Genome position (GRCh38, 1-based): chr2:74,530,024, G>A. VCF-style: chr2-74530024-G-A. GRCh37 (hg19) VCF-style: chr2-74757151-G-A.
Other names: c.18G>A, p.Ala6= (NM_001321727.1, NM_001321728.1, NM_145074.2); c.18G>A (NM_013247.4).
Identifiers: ClinVar variation 1568373 (VCV001568373.9), dbSNP rs372441631, ClinGen allele CA1728274.